The following is an entry in ClinVar:

ClinVar aggregate classification (germline): Uncertain significance (1 of 4 stars; one submission).

Submission:

Labcorp Genetics (formerly Invitae), Labcorp
Classification: Uncertain significance. Last evaluated: 2022-07-25. Review status: criteria provided, single submitter. Criteria: Invitae Variant Classification Sherloc (09022015). Collection method: clinical testing. Allele origin: germline.
Comment: This variant is not present in population databases (gnomAD no frequency). In summary, the available evidence is currently insufficient to determine the role of this variant in disease. Therefore, it has been classified as a Variant of Uncertain Significance. This variant disrupts the p.Asn200 amino acid residue in DCX. Other variant(s) that disrupt this residue have been observed in individuals with DCX-related conditions (PMID: 9668176, 11175293), which suggests that this may be a clinically significant amino acid residue. Algorithms developed to predict the effect of missense changes on protein structure and function (SIFT, PolyPhen-2, Align-GVGD) all suggest that this variant is likely to be disruptive. This missense change has been observed in individual(s) with DCX-related conditions (Invitae). This sequence change replaces asparagine, which is neutral and polar, with tyrosine, which is neutral and polar, at codon 200 of the DCX protein (p.Asn200Tyr).

Literature cited by the submitters: PubMed 9668176; PubMed 11175293.

NM_001195553.2(DCX):c.598A>T (p.Asn200Tyr)

Gene: DCX (doublecortin; minus strand). Cytogenetic location: Xq23.
Variant type: single nucleotide variant.
Coding change: c.598A>T on transcript NM_001195553.2 (MANE Select); coding-DNA position 598, A replaced by T.
Protein change: p.Asn200Tyr; replaces asparagine 200 with tyrosine.
Molecular consequence: missense variant.
Genome position (GRCh38, 1-based): chrX:111,401,097, T>A on the plus strand (A>T on the coding strand, the complement: DCX is on the minus strand). VCF-style: chrX-111401097-T-A. GRCh37 (hg19) VCF-style: chrX-110644325-T-A.
Other names: c.598A>T, p.Asn200Tyr (NM_001369372.1, NM_001369373.1, NM_001369374.1 and 6 more transcripts); c.841A>T, p.Asn281Tyr (NM_000555.3); short protein forms N200Y, N281Y.
Identifiers: ClinVar variation 2062832 (VCV002062832.4), dbSNP rs2524835166, ClinGen allele CA414246028.